The following is an entry in ClinVar:

NM_001008537.3(NEXMIF):c.391A>G (p.Met131Val)

Gene: NEXMIF (neurite extension and migration factor; minus strand). Cytogenetic location: Xq13.3.
Variant type: single nucleotide variant.
Coding change: c.391A>G on transcript NM_001008537.3 (MANE Select); coding-DNA position 391, A replaced by G.
Protein change: p.Met131Val; replaces methionine 131 with valine.
Molecular consequence: missense variant.
Genome position (GRCh38, 1-based): chrX:74,744,166, T>C on the plus strand (A>G on the coding strand, the complement: NEXMIF is on the minus strand). VCF-style: chrX-74744166-T-C. GRCh37 (hg19) VCF-style: chrX-73964001-T-C.
Other names: short protein forms M131V.
Identifiers: ClinVar variation 4822508 (VCV004822508.4).

ClinVar aggregate classification (germline): Likely benign (1 of 4 stars; one submission).

Submission:

CeGaT Center for Human Genetics Tuebingen
Classification: Likely benign. Last evaluated: 2026-01-01. Review status: criteria provided, single submitter. Criteria: CeGaT Center For Human Genetics Tuebingen Variant Classification Criteria Version 2. Collection method: clinical testing. Allele origin: germline. Affected: yes. Observed: 1 variant allele.
Comment: NEXMIF: PM2:Supporting, BP1, BP4